The following is an entry in ClinVar:

ClinVar aggregate classification (germline): Pathogenic (1 of 4 stars; one submission).

Conditions:
Salla disease (SD). Also called: Sialuria, Finnish type; N-acetylneuraminic acid (NANA) storage disease (NSD); Infantile sialic acid storage disorder (ISSD); Less Severe FSASD (Salla Disease). Identifiers: Orphanet 309334, Orphanet 834, MedGen C1096903, MONDO:0011449, OMIM 604369.

Submission:

Labcorp Genetics (formerly Invitae), Labcorp
Classification: Pathogenic for Salla disease. Last evaluated: 2022-10-05. Review status: criteria provided, single submitter. Criteria: Invitae Variant Classification Sherloc (09022015). Collection method: clinical testing. Allele origin: germline.
Comment: For these reasons, this variant has been classified as Pathogenic. A similar copy number variant has been observed in individual(s) with clinical features of sialic acid storage disorder (PMID: 15805149). In at least one individual the data is consistent with being in trans (on the opposite chromosome) from a pathogenic variant. This variant is a gross deletion of the genomic region encompassing exon(s) 7 of the SLC17A5 gene. This variant would be expected to be in-frame, preserving the integrity of the reading frame.

Literature cited by the submitters: PubMed 15805149.

NC_000006.11:g.(?_74331507)_(74331705_?)del

Gene: SLC17A5 (solute carrier family 17 member 5; minus strand). Cytogenetic location: 6q13.
Variant type: Deletion.
Identifiers: ClinVar variation 1460316 (VCV001460316.5).